The following is an entry in ClinVar:

NM_080911.3(UNG):c.490G>A (p.Gly164Arg)

Gene: UNG (uracil DNA glycosylase; plus strand). Cytogenetic location: 12q24.11.
Variant type: single nucleotide variant.
Coding change: c.490G>A on transcript NM_080911.3 (MANE Select); coding-DNA position 490, G replaced by A.
Protein change: p.Gly164Arg; replaces glycine 164 with arginine.
Molecular consequence: missense variant.
Genome position (GRCh38, 1-based): chr12:109,101,956, G>A. VCF-style: chr12-109101956-G-A. GRCh37 (hg19) VCF-style: chr12-109539761-G-A.
Other names: c.463G>A, p.Gly155Arg (NM_003362.4); short protein forms G155R, G164R.
Identifiers: ClinVar variation 1028541 (VCV001028541.8), dbSNP rs745760429, ClinGen allele CA6772639.
Genomic context (GRCh38, chr12:109,101,956, plus strand): 5'-TCACAGGTGAAGGTTGTCATCCTGGGACAGGATCCATATCATGGACCTAATCAAGCTCAC[G>A]GGCTCTGCTTTAGTGTTCAAAGGCCTGTTCCGCCTCCGCCCAGGTACAGTTGCTTTACAG-3'
Protein context (NP_550433.1, residues 154-174): DPYHGPNQAH[Gly164Arg]LCFSVQRPVP

ClinVar aggregate classification (germline): Uncertain significance. Review status: criteria provided, multiple submitters, no conflicts (2 of 4 stars). 2 submissions from 2 submitters: Uncertain significance (2). Last evaluated 2021-06-24.

Conditions:
Hyper-IgM syndrome type 5 (HIGM5). Also called: Hyper-IgM Immunodeficiency Syndrome, Type 5. Identifiers: Orphanet 101092, MedGen C1720958, MONDO:0011971, OMIM 608106.

Allele frequency attached by ClinVar (database versions not stated): TOPMed below 0.00001.

Submissions (2):

Labcorp Genetics (formerly Invitae), Labcorp
Classification: Uncertain significance for Hyper-IgM syndrome type 5. Last evaluated: 2021-06-24. Review status: criteria provided, single submitter. Criteria: Invitae Variant Classification Sherloc (09022015). Collection method: clinical testing. Allele origin: germline.
Comment: This sequence change replaces glycine with arginine at codon 164 of the UNG protein (p.Gly164Arg). The glycine residue is highly conserved and there is a moderate physicochemical difference between glycine and arginine. This variant is present in population databases (rs745760429, ExAC 0.009%). This variant has not been reported in the literature in individuals with UNG-related conditions. ClinVar contains an entry for this variant (Variation ID: 1028541). Algorithms developed to predict the effect of missense changes on protein structure and function are either unavailable or do not agree on the potential impact of this missense change (SIFT: "Deleterious"; PolyPhen-2: "Probably Damaging"; Align-GVGD: "Class C15"). In summary, the available evidence is currently insufficient to determine the role of this variant in disease. Therefore, it has been classified as a Variant of Uncertain Significance.

Baylor Genetics
Classification: Uncertain significance for Hyper-IgM syndrome type 5. Last evaluated: 2019-06-30. Review status: criteria provided, single submitter. Criteria: ACMG Guidelines, 2015. Collection method: clinical testing. Allele origin: unknown. Affected: yes.
Comment: This variant was determined to be of uncertain significance according to ACMG Guidelines, 2015 [PMID:25741868].